The following is an entry in ClinVar:

NM_012452.3(TNFRSF13B):c.303_306delinsTTG (p.Tyr102fs)

Gene: TNFRSF13B (TNF receptor superfamily member 13B; minus strand). Cytogenetic location: 17p11.2.
Variant type: Indel.
Coding change: c.303_306delinsTTG on transcript NM_012452.3 (MANE Select); coding-DNA positions 303 to 306, ATAC replaced by TTG.
Protein change: p.Tyr102fs; shifts the reading frame from tyrosine 102.
Molecular consequence: frameshift variant.
Genome position (GRCh38, 1-based): chr17:16,948,877-16,948,880, GTAT replaced by CAA on the plus strand (ATAC replaced by TTG on the coding strand, the reverse complement: TNFRSF13B is on the minus strand). VCF-style: chr17-16948877-GTAT-CAA. GRCh37 (hg19) VCF-style: chr17-16852191-GTAT-CAA.
Other names: c.303_306delATACinsTTG, p.Tyr102Cysfs (NM_012452.2); short protein forms Y102fs.
Identifiers: ClinVar variation 2633419 (VCV002633419.3), dbSNP rs2508206711, ClinGen allele CA2695201252.

ClinVar aggregate classification (germline): Likely pathogenic. Review status: criteria provided, multiple submitters, no conflicts (2 of 4 stars). 2 submissions from 2 submitters: Likely pathogenic (2). Last evaluated 2023-04-11.

Conditions:
Immunodeficiency, common variable, 2 (CVID2). Also called: ANTIBODY DEFICIENCY DUE TO TACI DEFECT; HYPOGAMMAGLOBULINEMIA DUE TO TACI DEFICIENCY. Identifiers: Orphanet 1572, MedGen C3150354, MONDO:0009413, OMIM 240500.
Immunoglobulin A deficiency 2 (IGAD2). Identifiers: MedGen C1836032, MONDO:0012291, OMIM 609529.
TNFRSF13B-related disorder. Also called: TNFRSF13B-related condition.

Submissions (2):

PreventionGenetics, part of Exact Sciences
Classification: Likely pathogenic for TNFRSF13B-related condition. Last evaluated: 2023-04-11. Review status: criteria provided, single submitter. Criteria: ACMG Guidelines, 2015. Collection method: clinical testing. Allele origin: germline.
Comment: The TNFRSF13B c.303_306delinsTTG variant is predicted to result in a frameshift and premature protein termination (p.Tyr102Cysfs*11). To our knowledge, this variant has not been reported in the literature or in a large population database, indicating this variant is rare. Frameshift variants in TNFRSF13B are expected to be pathogenic. This variant is interpreted as likely pathogenic.

Juno Genomics, Hangzhou Juno Genomics, Inc
Classification: Likely pathogenic for Immunoglobulin A deficiency 2; Immunodeficiency, common variable, 2. Review status: criteria provided, single submitter. Criteria: ACMG Guidelines, 2015. Collection method: clinical testing. Allele origin: germline.
Comment: Absent from controls (or at extremely low frequency if recessive) in Genome Aggregation Database.;Null variant in a gene where loss of function (LOF) is a known mechanism of disease.